The following is an entry in ClinVar:

GRCh37/hg19 1p34.1-22.2(chr1:44475302-89585894)x3

Genes: ACADM (acyl-CoA dehydrogenase medium chain; plus strand), ACOT11 (acyl-CoA thioesterase 11; plus strand), ADGRL2 (adhesion G protein-coupled receptor L2; plus strand), ADGRL4 (adhesion G protein-coupled receptor L4; minus strand), AGBL4 (AGBL carboxypeptidase 4; minus strand) and 248 more. Cytogenetic location: 1p34.1-22.2.
Variant type: copy number gain.
Change: copy number 3 (three copies instead of two) of chr1:44,475,302-89,585,894 (45.11 Mb, GRCh37 coordinates, 1-based), cytogenetic band 1p34.1-22.2.
Identifiers: ClinVar variation 3391840 (VCV003391840.1).

ClinVar aggregate classification (germline): Pathogenic (1 of 4 stars; one submission).

Submission:

Quest Diagnostics Nichols Institute San Juan Capistrano
Classification: Pathogenic. Last evaluated: 2023-09-28. Review status: criteria provided, single submitter. Criteria: ACMG/ClinGen CNV Guidelines, 2019. Collection method: clinical testing. Allele origin: unknown.
Comment: Over 300 protein-coding genes are contained within this interval. Duplications similar to the current copy number gain are rare in medical literature (Elejalde 1984, Lo 1988), although smaller de novo duplications have been reported in the DECIPHER database (Firth 2009). Thus, based on gene content and count, this duplication is classified as pathogenic. References: Elejalde et al. Am J Med Genet. 1984 Apr;17(4):723-30. PMID: 6539070; Firth et al., Am J Hum Genet. 2009 Apr;84(4):524-33. PMID: 19344873; Lo et al. Am J Med Genet. 1998 Jun 16;78(1):55-7. PMID: 9637424